The following is an entry in ClinVar:

ClinVar aggregate classification (germline): Uncertain significance (1 of 4 stars; one submission).

Conditions:
Cardiovascular phenotype. Identifiers: MedGen CN230736.

gnomAD v4.1: 1 of 1,613,968 alleles (0.000062%); highest among the groups gnomAD compares: Admixed American, 0.0017%; no homozygotes.

Submission:

Ambry Genetics
Classification: Uncertain significance for Cardiovascular phenotype. Last evaluated: 2025-12-15. Review status: criteria provided, single submitter. Criteria: Ambry Variant Classification Scheme 2023. Collection method: clinical testing. Allele origin: germline.
Comment: The p.P48L variant (also known as c.143C>T), located in coding exon 2 of the SPRED1 gene, results from a C to T substitution at nucleotide position 143. The proline at codon 48 is replaced by leucine, an amino acid with similar properties. This amino acid position is conserved. In addition, this alteration is predicted to be tolerated by in silico analysis. Based on the available evidence, the clinical significance of this variant remains unclear.

NM_152594.3(SPRED1):c.143C>T (p.Pro48Leu)

Gene: SPRED1 (sprouty related EVH1 domain containing 1; plus strand). Cytogenetic location: 15q14.
Variant type: single nucleotide variant.
Coding change: c.143C>T on transcript NM_152594.3 (MANE Select); coding-DNA position 143, C replaced by T.
Protein change: p.Pro48Leu; replaces proline 48 with leucine.
Molecular consequence: missense variant.
Genome position (GRCh38, 1-based): chr15:38,299,483, C>T. VCF-style: chr15-38299483-C-T. GRCh37 (hg19) VCF-style: chr15-38591684-C-T.
Other names: short protein forms P48L.
Identifiers: ClinVar variation 4843962 (VCV004843962.1).